The following is an entry in ClinVar:

NM_144773.4(PROKR2):c.261C>T (p.Leu87=)

Gene: PROKR2 (prokineticin receptor 2; minus strand). Cytogenetic location: 20p12.3.
Variant type: single nucleotide variant.
Coding change: c.261C>T on transcript NM_144773.4 (MANE Select); coding-DNA position 261, C replaced by T.
Protein change: p.Leu87=; no amino-acid change (leucine 87 retained).
Molecular consequence: synonymous variant.
Genome position (GRCh38, 1-based): chr20:5,314,109, G>A on the plus strand (C>T on the coding strand, the complement: PROKR2 is on the minus strand). VCF-style: chr20-5314109-G-A. GRCh37 (hg19) VCF-style: chr20-5294755-G-A.
Identifiers: ClinVar variation 895746 (VCV000895746.4), dbSNP rs764463888, ClinGen allele CA9754392.

ClinVar aggregate classification (germline): Likely benign (1 of 4 stars; one submission).

Conditions:
Hypogonadotropic hypogonadism 3 with or without anosmia (HH3). Also called: HYPOGONADOTROPIC HYPOGONADISM 3 WITH ANOSMIA; PROKR2-Related GnRH Deficiency (Kallmann Syndrome 3). Identifiers: Orphanet 478, MedGen C3550478, MONDO:0009482, OMIM 244200.

Allele frequency attached by ClinVar (database versions not stated): gnomAD exomes 0.00004 and 0.00006; ExAC 0.00011.
gnomAD v4.1: 24 of 1,614,238 alleles (0.0015%); highest among the groups gnomAD compares: East Asian, 0.053%; no homozygotes.

Submission:

Illumina Laboratory Services, Illumina
Classification: Likely benign for Hypogonadotropic hypogonadism 3 with or without anosmia. Last evaluated: 2018-01-13. Review status: criteria provided, single submitter. Criteria: ICSL Variant Classification Criteria 13 December 2019. Collection method: clinical testing. Allele origin: germline.
Comment: This variant was observed in the ICSL laboratory as part of a predisposition screen in an ostensibly healthy population. It had not been previously curated by ICSL or reported in the Human Gene Mutation Database (HGMD: prior to June 1st, 2018), and was therefore a candidate for classification through an automated scoring system. Utilizing variant allele frequency, disease prevalence and penetrance estimates, and inheritance mode, an automated score was calculated to assess if this variant is too frequent to cause the disease. Based on the score and internal cut-off values, a variant classified as likely benign is not then subjected to further curation. The score for this variant resulted in a classification of likely benign for this disease.